The following is an entry in ClinVar:

ClinVar aggregate classification (germline): Uncertain significance. Review status: criteria provided, multiple submitters, no conflicts (2 of 4 stars). 4 submissions from 4 submitters: Uncertain significance (4). Last evaluated 2025-08-05.

Conditions:
Hereditary cancer-predisposing syndrome. Also called: Tumor predisposition; Neoplastic Syndromes, Hereditary; Hereditary Cancer Syndrome; Hereditary neoplastic syndrome. Identifiers: Orphanet 140162, MedGen C0027672, MeSH D009386, MONDO:0015356.
Peutz-Jeghers syndrome (PJS). Also called: POLYPOSIS, HAMARTOMATOUS INTESTINAL; POLYPS-AND-SPOTS SYNDROME; Peutz-Jeghers polyposis; Periorificial lentiginosis syndrome. Identifiers: Orphanet 2869, MedGen C0031269, MeSH D010580, MONDO:0008280, OMIM 175200.

Submissions (4):

Color Diagnostics, LLC DBA Color Health
Classification: Uncertain significance for Hereditary cancer-predisposing syndrome. Last evaluated: 2025-08-05. Review status: criteria provided, single submitter. Criteria: ACMG Guidelines, 2015. Collection method: clinical testing. Allele origin: germline.
Comment: This missense variant replaces histidine with glutamine at codon 202 of the STK11 protein. Computational prediction suggests that this variant may not impact protein structure and function. To our knowledge, functional studies have not been reported for this variant. This variant has not been reported in individuals affected with STK11-related disorders in the literature. This variant has not been identified in the general population by the Genome Aggregation Database (gnomAD). The available evidence is insufficient to determine the role of this variant in disease conclusively. Therefore, this variant is classified as a Variant of Uncertain Significance.

Labcorp Genetics (formerly Invitae), Labcorp
Classification: Uncertain significance for Peutz-Jeghers syndrome. Last evaluated: 2025-03-15. Review status: criteria provided, single submitter. Criteria: Invitae Variant Classification Sherloc (09022015). Collection method: clinical testing. Allele origin: germline.
Comment: This sequence change replaces histidine, which is basic and polar, with glutamine, which is neutral and polar, at codon 202 of the STK11 protein (p.His202Gln). This variant is not present in population databases (gnomAD no frequency). This variant has not been reported in the literature in individuals affected with STK11-related conditions. ClinVar contains an entry for this variant (Variation ID: 888714). Invitae Evidence Modeling of protein sequence and biophysical properties (such as structural, functional, and spatial information, amino acid conservation, physicochemical variation, residue mobility, and thermodynamic stability) indicates that this missense variant is not expected to disrupt STK11 protein function with a negative predictive value of 95%. In summary, the available evidence is currently insufficient to determine the role of this variant in disease. Therefore, it has been classified as a Variant of Uncertain Significance.

Ambry Genetics
Classification: Uncertain significance for Hereditary cancer-predisposing syndrome. Last evaluated: 2024-01-18. Review status: criteria provided, single submitter. Criteria: Ambry Variant Classification Scheme 2023. Collection method: clinical testing. Allele origin: germline.
Comment: The p.H202Q variant (also known as c.606C>G), located in coding exon 5 of the STK11 gene, results from a C to G substitution at nucleotide position 606. The histidine at codon 202 is replaced by glutamine, an amino acid with highly similar properties. This amino acid position is well conserved in available vertebrate species. In addition, this alteration is predicted to be tolerated by in silico analysis. Based on the available evidence, the clinical significance of this alteration remains unclear.

Illumina Laboratory Services, Illumina
Classification: Uncertain significance for Peutz-Jeghers syndrome. Last evaluated: 2018-01-13. Review status: criteria provided, single submitter. Criteria: ICSL Variant Classification Criteria 13 December 2019. Collection method: clinical testing. Allele origin: germline.

NM_000455.5(STK11):c.606C>G (p.His202Gln)

Gene: STK11 (serine/threonine kinase 11; plus strand). Cytogenetic location: 19p13.3.
Variant type: single nucleotide variant.
Coding change: c.606C>G on transcript NM_000455.5 (MANE Select); coding-DNA position 606, C replaced by G.
Protein change: p.His202Gln; replaces histidine 202 with glutamine.
Molecular consequence: missense variant.
Genome position (GRCh38, 1-based): chr19:1,220,589, C>G. VCF-style: chr19-1220589-C-G. GRCh37 (hg19) VCF-style: chr19-1220588-C-G.
Other names: short protein forms H202Q.
Identifiers: ClinVar variation 888714 (VCV000888714.6), dbSNP rs2080775908, ClinGen allele CA402949425.